The following is an entry in ClinVar:

NM_007289.4(MME):c.19dup (p.Gln7fs)

Gene: MME (membrane metalloendopeptidase; plus strand). Cytogenetic location: 3q25.2.
Variant type: Duplication.
Coding change: c.19dup on transcript NM_007289.4 (MANE Select); coding-DNA position 19, one base duplicated (C; older notation c.19dupC).
Protein change: p.Gln7fs; shifts the reading frame from glutamine 7.
Molecular consequence: frameshift variant.
Genome position (GRCh38, 1-based): chr3:155,084,186, C duplicated. VCF-style (leftmost placement, unchanged base first): chr3-155084185-T-TC. GRCh37 (hg19) VCF-style: chr3-154801974-T-TC.
Other names: c.19dup, p.Gln7fs (NM_000902.5, NM_001354642.2, NM_001354643.1 and 3 more transcripts); short protein forms Q7fs.
Identifiers: ClinVar variation 2751588 (VCV002751588.3), dbSNP rs2473092293, ClinGen allele CA2697556926.
Genomic context (GRCh38, chr3:155,084,185, plus strand): 5'-GTTTTTCATTATTAGTATTTTCATTTTTTGCAGATTTTAGGTGATGGGCAAGTCAGAAAG[T>TC]CAGATGGATATAACTGATATCAACACTCCAAAGCCAAAGAAGAAACAGCGATGGACTCCA-3'

ClinVar aggregate classification (germline): Pathogenic (1 of 4 stars; one submission).

Submission:

Labcorp Genetics (formerly Invitae), Labcorp
Classification: Pathogenic. Last evaluated: 2023-08-10. Review status: criteria provided, single submitter. Criteria: Invitae Variant Classification Sherloc (09022015). Collection method: clinical testing. Allele origin: germline.
Comment: This variant has not been reported in the literature in individuals affected with MME-related conditions. This variant is not present in population databases (gnomAD no frequency). This sequence change creates a premature translational stop signal (p.Gln7Profs*6) in the MME gene. It is expected to result in an absent or disrupted protein product. Loss-of-function variants in MME are known to be pathogenic (PMID: 26991897). For these reasons, this variant has been classified as Pathogenic.

Literature cited by the submitters: PubMed 26991897.